The following is an entry in ClinVar:

ClinVar aggregate classification (germline): Uncertain significance (1 of 4 stars; one submission).

Conditions:
Joubert syndrome. Also called: CEREBELLOPARENCHYMAL DISORDER IV; JOUBERT-BOLTSHAUSER SYNDROME; Familial aplasia of the vermis. Identifiers: Orphanet 475, MedGen C5979921, MONDO:0018772.
Orofaciodigital syndrome I (OFD1). Also called: OFDS I; Papillon-Leage and Psaume Syndrome; Oral-Facial-Digital Syndrome Type I. Identifiers: Orphanet 2750, MedGen C1510460, MONDO:0010702, OMIM 311200.

gnomAD v4.1: 8 of 1,211,142 alleles (0.00066%); highest among the groups gnomAD compares: Non-Finnish European, 0.00089%; no homozygotes.

Submission:

Labcorp Genetics (formerly Invitae), Labcorp
Classification: Uncertain significance for Orofaciodigital syndrome I; Joubert syndrome. Last evaluated: 2024-01-25. Review status: criteria provided, single submitter. Criteria: Invitae Variant Classification Sherloc (09022015). Collection method: clinical testing. Allele origin: germline.
Comment: This sequence change replaces leucine, which is neutral and non-polar, with phenylalanine, which is neutral and non-polar, at codon 268 of the OFD1 protein (p.Leu268Phe). This variant is present in population databases (rs371315550, gnomAD 0.001%). This variant has not been reported in the literature in individuals affected with OFD1-related conditions. Advanced modeling of protein sequence and biophysical properties (such as structural, functional, and spatial information, amino acid conservation, physicochemical variation, residue mobility, and thermodynamic stability) performed at Invitae indicates that this missense variant is not expected to disrupt OFD1 protein function with a negative predictive value of 80%. In summary, the available evidence is currently insufficient to determine the role of this variant in disease. Therefore, it has been classified as a Variant of Uncertain Significance.

NM_003611.3(OFD1):c.802C>T (p.Leu268Phe)

Gene: OFD1 (OFD1 centriole and centriolar satellite protein; plus strand). Cytogenetic location: Xp22.2.
Variant type: single nucleotide variant.
Coding change: c.802C>T on transcript NM_003611.3 (MANE Select); coding-DNA position 802, C replaced by T.
Protein change: p.Leu268Phe; replaces leucine 268 with phenylalanine.
Molecular consequence: missense variant.
Genome position (GRCh38, 1-based): chrX:13,746,927, C>T. VCF-style: chrX-13746927-C-T. GRCh37 (hg19) VCF-style: chrX-13765046-C-T.
Other names: c.802C>T, p.Leu268Phe (NM_001330209.2); c.382C>T, p.Leu128Phe (NM_001330210.2); short protein forms L128F, L268F.
Identifiers: ClinVar variation 3761583 (VCV003761583.2).